The following is an entry in ClinVar:

ClinVar aggregate classification (germline): Uncertain significance. Review status: criteria provided, multiple submitters, no conflicts (2 of 4 stars). 2 submissions from 2 submitters: Uncertain significance (2). Last evaluated 2025-05-20.

Allele frequency attached by ClinVar (database versions not stated): gnomAD 0.00001; gnomAD exomes 0.00002; TOPMed 0.00002; ExAC 0.00005.
gnomAD v4.1: 38 of 1,580,962 alleles (0.0024%); highest among the groups gnomAD compares: Admixed American, 0.0035%; no homozygotes.

Submissions (2):

Ambry Genetics
Classification: Uncertain significance. Last evaluated: 2025-05-20. Review status: criteria provided, single submitter. Criteria: Ambry Variant Classification Scheme 2023. Collection method: clinical testing. Allele origin: germline.

Labcorp Genetics (formerly Invitae), Labcorp
Classification: Uncertain significance. Last evaluated: 2023-10-25. Review status: criteria provided, single submitter. Criteria: Invitae Variant Classification Sherloc (09022015). Collection method: clinical testing. Allele origin: germline.
Comment: This sequence change replaces arginine, which is basic and polar, with cysteine, which is neutral and slightly polar, at codon 324 of the MCM5 protein (p.Arg324Cys). This variant is present in population databases (rs752464270, gnomAD 0.007%). This variant has not been reported in the literature in individuals affected with MCM5-related conditions. Advanced modeling of protein sequence and biophysical properties (such as structural, functional, and spatial information, amino acid conservation, physicochemical variation, residue mobility, and thermodynamic stability) performed at Invitae indicates that this missense variant is not expected to disrupt MCM5 protein function with a negative predictive value of 80%. In summary, the available evidence is currently insufficient to determine the role of this variant in disease. Therefore, it has been classified as a Variant of Uncertain Significance.

NM_006739.4(MCM5):c.970C>T (p.Arg324Cys)

Gene: MCM5 (minichromosome maintenance complex component 5; plus strand). Cytogenetic location: 22q12.3.
Variant type: single nucleotide variant.
Coding change: c.970C>T on transcript NM_006739.4 (MANE Select); coding-DNA position 970, C replaced by T.
Protein change: p.Arg324Cys; replaces arginine 324 with cysteine.
Molecular consequence: missense variant.
Genome position (GRCh38, 1-based): chr22:35,412,560, C>T. VCF-style: chr22-35412560-C-T. GRCh37 (hg19) VCF-style: chr22-35808553-C-T.
Other names: c.970C>T (NM_006739.3); short protein forms R324C.
Identifiers: ClinVar variation 2965345 (VCV002965345.4), dbSNP rs752464270, ClinGen allele CA10205231.